The following is an entry in ClinVar:

NM_001122630.2(CDKN1C):c.667G>T (p.Gly223Cys)

Gene: CDKN1C (cyclin dependent kinase inhibitor 1C; minus strand). Cytogenetic location: 11p15.4.
Variant type: single nucleotide variant.
Coding change: c.667G>T on transcript NM_001122630.2 (MANE Select); coding-DNA position 667, G replaced by T.
Protein change: p.Gly223Cys; replaces glycine 223 with cysteine.
Molecular consequence: missense variant. On other transcripts: intron variant (1).
Genome position (GRCh38, 1-based): chr11:2,884,790, C>A on the plus strand (G>T on the coding strand, the complement: CDKN1C is on the minus strand). VCF-style: chr11-2884790-C-A. GRCh37 (hg19) VCF-style: chr11-2906020-C-A.
Other names: c.700G>T, p.Gly234Cys (NM_000076.2, NM_001362474.2); c.667G>T, p.Gly223Cys (NM_001122631.2); c.255+412G>T (NM_001362475.2); short protein forms G223C, G234C.
Identifiers: ClinVar variation 844698 (VCV000844698.10), dbSNP rs1848924456, ClinGen allele CA379145817.

ClinVar aggregate classification (germline): Uncertain significance. Review status: criteria provided, multiple submitters, no conflicts (2 of 4 stars). 2 submissions from 2 submitters: Uncertain significance (2). Last evaluated 2026-05-20.

Conditions:
Beckwith-Wiedemann syndrome (BWS). Also called: EMG SYNDROME; Exomphalos macroglossia gigantism syndrome. Identifiers: Orphanet 116, MedGen C0004903, MONDO:0007534, OMIM 130650.

Submissions (2):

GeneDx
Classification: Uncertain significance. Last evaluated: 2026-05-20. Review status: criteria provided, single submitter. Criteria: GeneDx Variant Classification Process June 2021. Collection method: clinical testing. Allele origin: germline.
Comment: Not observed at significant frequency in large population cohorts (gnomAD); In silico analysis indicates that this missense variant does not alter protein structure/function; Has not been previously published as pathogenic or benign to our knowledge

Labcorp Genetics (formerly Invitae), Labcorp
Classification: Uncertain significance for Beckwith-Wiedemann syndrome. Last evaluated: 2021-08-22. Review status: criteria provided, single submitter. Criteria: Invitae Variant Classification Sherloc (09022015). Collection method: clinical testing. Allele origin: germline.
Comment: In summary, the available evidence is currently insufficient to determine the role of this variant in disease. Therefore, it has been classified as a Variant of Uncertain Significance. This variant has not been reported in the literature in individuals with CDKN1C-related conditions. This variant is not present in population databases (ExAC no frequency). This sequence change replaces glycine with cysteine at codon 234 of the CDKN1C protein (p.Gly234Cys). The glycine residue is weakly conserved and there is a large physicochemical difference between glycine and cysteine.